The following is an entry in ClinVar:

NM_004385.5(VCAN):c.1771C>T (p.His591Tyr)

Gene: VCAN (versican; plus strand). Cytogenetic location: 5q14.3.
Variant type: single nucleotide variant.
Coding change: c.1771C>T on transcript NM_004385.5 (MANE Select); coding-DNA position 1771, C replaced by T.
Protein change: p.His591Tyr; replaces histidine 591 with tyrosine.
Molecular consequence: missense variant. On other transcripts: intron variant (2).
Genome position (GRCh38, 1-based): chr5:83,520,077, C>T. VCF-style: chr5-83520077-C-T. GRCh37 (hg19) VCF-style: chr5-82815896-C-T.
Other names: c.1771C>T, p.His591Tyr (NM_001164098.2); c.1042+7681C>T (NM_001164097.2, NM_001126336.3); short protein forms H591Y.
Identifiers: ClinVar variation 2978245 (VCV002978245.4), dbSNP rs748437265, ClinGen allele CA360301829.

ClinVar aggregate classification (germline): Uncertain significance. Review status: criteria provided, multiple submitters, no conflicts (2 of 4 stars). 2 submissions from 2 submitters: Uncertain significance (2). Last evaluated 2023-03-27.

Allele frequency attached by ClinVar (database versions not stated): TOPMed 0.00001.
gnomAD v4.1: 4 of 1,614,050 alleles (0.00025%); highest among the groups gnomAD compares: Non-Finnish European, 0.00025%; no homozygotes.

Submissions (2):

Labcorp Genetics (formerly Invitae), Labcorp
Classification: Uncertain significance. Last evaluated: 2023-03-27. Review status: criteria provided, single submitter. Criteria: Invitae Variant Classification Sherloc (09022015). Collection method: clinical testing. Allele origin: germline.
Comment: In summary, the available evidence is currently insufficient to determine the role of this variant in disease. Therefore, it has been classified as a Variant of Uncertain Significance. Algorithms developed to predict the effect of missense changes on protein structure and function output the following: SIFT: "Not Available"; PolyPhen-2: "Benign"; Align-GVGD: "Not Available". The tyrosine amino acid residue is found in multiple mammalian species, which suggests that this missense change does not adversely affect protein function. This variant has not been reported in the literature in individuals affected with VCAN-related conditions. This variant is not present in population databases (gnomAD no frequency). This sequence change replaces histidine, which is basic and polar, with tyrosine, which is neutral and polar, at codon 591 of the VCAN protein (p.His591Tyr).

Blueprint Genetics
Classification: Uncertain significance. Last evaluated: 2018-10-11. Review status: criteria provided, single submitter. Criteria: ACMG Guidelines, 2015. Collection method: clinical testing. Allele origin: germline.